The following is an entry in ClinVar:

NM_006767.4(LZTR1):c.965A>T (p.Glu322Val)

Gene: LZTR1 (leucine zipper like post translational regulator 1; plus strand). Cytogenetic location: 22q11.21.
Variant type: single nucleotide variant.
Coding change: c.965A>T on transcript NM_006767.4 (MANE Select); coding-DNA position 965, A replaced by T.
Protein change: p.Glu322Val; replaces glutamic acid 322 with valine.
Molecular consequence: missense variant.
Genome position (GRCh38, 1-based): chr22:20,991,801, A>T. VCF-style: chr22-20991801-A-T. GRCh37 (hg19) VCF-style: chr22-21346090-A-T.
Other names: short protein forms E322V.
Identifiers: ClinVar variation 3541661 (VCV003541661.1).

ClinVar aggregate classification (germline): Uncertain significance (1 of 4 stars; one submission).

Conditions:
Hereditary cancer-predisposing syndrome. Also called: Hereditary Cancer Syndrome; Hereditary neoplastic syndrome; Tumor predisposition; Neoplastic Syndromes, Hereditary. Identifiers: Orphanet 140162, MedGen C0027672, MeSH D009386, MONDO:0015356.
Cardiovascular phenotype. Identifiers: MedGen CN230736.

Submission:

Ambry Genetics
Classification: Uncertain significance for Cardiovascular phenotype; Hereditary cancer-predisposing syndrome. Last evaluated: 2024-10-15. Review status: criteria provided, single submitter. Criteria: Ambry Variant Classification Scheme 2023. Collection method: clinical testing. Allele origin: germline.
Comment: The p.E322V variant (also known as c.965A>T), located in coding exon 9 of the LZTR1 gene, results from an A to T substitution at nucleotide position 965. The glutamic acid at codon 322 is replaced by valine, an amino acid with dissimilar properties. This amino acid position is conserved. In addition, the in silico prediction for this alteration is inconclusive. Based on the available evidence, the clinical significance of this variant remains unclear.